The following is an entry in ClinVar:

ClinVar aggregate classification (germline): Uncertain significance. Review status: criteria provided, multiple submitters, no conflicts (2 of 4 stars). 2 submissions from 2 submitters: Uncertain significance (2). Last evaluated 2025-03-04.

Allele frequency attached by ClinVar (database versions not stated): TOPMed 0.00002; gnomAD 0.00004.
gnomAD v4.1: 93 of 1,613,766 alleles (0.0058%); highest among the groups gnomAD compares: Middle Eastern, 0.12%; no homozygotes.

Submissions (2):

Center for Genomic Medicine, Rigshospitalet, Copenhagen University Hospital
Classification: Uncertain significance. Last evaluated: 2025-03-04. Review status: criteria provided, single submitter. Criteria: ACMG Guidelines, 2015. Collection method: clinical testing. Allele origin: germline.

Labcorp Genetics (formerly Invitae), Labcorp
Classification: Uncertain significance. Last evaluated: 2023-12-20. Review status: criteria provided, single submitter. Criteria: Invitae Variant Classification Sherloc (09022015). Collection method: clinical testing. Allele origin: germline.
Comment: This sequence change replaces methionine, which is neutral and non-polar, with leucine, which is neutral and non-polar, at codon 29 of the TERF2IP protein (p.Met29Leu). This variant is present in population databases (rs201151665, gnomAD 0.01%). This variant has not been reported in the literature in individuals affected with TERF2IP-related conditions. ClinVar contains an entry for this variant (Variation ID: 1908726). Algorithms developed to predict the effect of missense changes on protein structure and function output the following: SIFT: "Not Available"; PolyPhen-2: "Benign"; Align-GVGD: "Not Available". The leucine amino acid residue is found in multiple mammalian species, which suggests that this missense change does not adversely affect protein function. In summary, the available evidence is currently insufficient to determine the role of this variant in disease. Therefore, it has been classified as a Variant of Uncertain Significance.

NM_018975.4(TERF2IP):c.85A>T (p.Met29Leu)

Gene: TERF2IP (TERF2 interacting protein; plus strand). Cytogenetic location: 16q23.1.
Variant type: single nucleotide variant.
Coding change: c.85A>T on transcript NM_018975.4 (MANE Select); coding-DNA position 85, A replaced by T.
Protein change: p.Met29Leu; replaces methionine 29 with leucine.
Molecular consequence: missense variant. On other transcripts: non-coding transcript variant (1).
Genome position (GRCh38, 1-based): chr16:75,647,967, A>T. VCF-style: chr16-75647967-A-T. GRCh37 (hg19) VCF-style: chr16-75681865-A-T.
Other names: short protein forms M29L.
Identifiers: ClinVar variation 1908726 (VCV001908726.7), dbSNP rs201151665, ClinGen allele CA8177931.